The following is an entry in ClinVar:

NM_002618.4(PEX13):c.696A>C (p.Lys232Asn)

Gene: PEX13 (peroxisomal biogenesis factor 13; plus strand). Cytogenetic location: 2p15.
Variant type: single nucleotide variant.
Coding change: c.696A>C on transcript NM_002618.4 (MANE Select); coding-DNA position 696, A replaced by C.
Protein change: p.Lys232Asn; replaces lysine 232 with asparagine.
Molecular consequence: missense variant.
Genome position (GRCh38, 1-based): chr2:61,032,022, A>C. VCF-style: chr2-61032022-A-C. GRCh37 (hg19) VCF-style: chr2-61259157-A-C.
Other names: short protein forms K232N.
Identifiers: ClinVar variation 1352872 (VCV001352872.8), dbSNP rs1680460565, ClinGen allele CA346944452.

ClinVar aggregate classification (germline): Uncertain significance (1 of 4 stars; one submission).

Conditions:
Peroxisome biogenesis disorder 11A (Zellweger). Also called: Peroxisome biogenesis disorder 11A. Identifiers: Orphanet 912, MedGen C3554000, MONDO:0013949, OMIM 614883.

Allele frequency attached by ClinVar (database versions not stated): gnomAD exomes below 0.00001.
gnomAD v4.1: 2 of 1,613,718 alleles (0.00012%); highest among the groups gnomAD compares: Non-Finnish European, 0.00017%; no homozygotes.

Submission:

Labcorp Genetics (formerly Invitae), Labcorp
Classification: Uncertain significance for Peroxisome biogenesis disorder 11A (Zellweger). Last evaluated: 2021-05-10. Review status: criteria provided, single submitter. Criteria: Invitae Variant Classification Sherloc (09022015). Collection method: clinical testing. Allele origin: germline.
Comment: In summary, the available evidence is currently insufficient to determine the role of this variant in disease. Therefore, it has been classified as a Variant of Uncertain Significance. Algorithms developed to predict the effect of missense changes on protein structure and function are either unavailable or do not agree on the potential impact of this missense change (SIFT: "Tolerated"; PolyPhen-2: "Probably Damaging"; Align-GVGD: "Class C0"). This variant has not been reported in the literature in individuals with PEX13-related conditions. This variant is not present in population databases (ExAC no frequency). This sequence change replaces lysine with asparagine at codon 232 of the PEX13 protein (p.Lys232Asn). The lysine residue is moderately conserved and there is a moderate physicochemical difference between lysine and asparagine.